The following is an entry in ClinVar:

ClinVar aggregate classification (germline): Uncertain significance (1 of 4 stars; one submission).

Conditions:
Marfan syndrome (MFS). Also called: MARFAN SYNDROME, TYPE I; Marfan syndrome type 1; Marfan's syndrome; FBN1-Related Marfan Syndrome; Marfan syndrome, classic. Identifiers: Orphanet 284963, Orphanet 558, MedGen C0024796, MONDO:0007947, OMIM 154700.

Submission:

All of Us Research Program, National Institutes of Health
Classification: Uncertain significance for Marfan syndrome. Last evaluated: 2024-05-30. Review status: criteria provided, single submitter. Criteria: ACMG Guidelines, 2015. Collection method: clinical testing. Allele origin: germline. Inheritance: Autosomal dominant inheritance. Observed: 1 variant allele, 1 heterozygote.
Comment: This missense variant replaces glycine with alanine at codon 1207 of the FBN1 protein. Computational prediction suggests that this variant may have deleterious impact on protein structure and function (internally defined REVEL score threshold >= 0.7, PMID: 27666373). To our knowledge, functional studies have not been reported for this variant. This variant has not been reported in individuals affected with FBN1-related disorders in the literature. This variant has not been identified in the general population by the Genome Aggregation Database (gnomAD). The available evidence is insufficient to determine the role of this variant in disease conclusively. Therefore, this variant is classified as a Variant of Uncertain Significance.

This study involves interpretation of variants in research participants for the purpose of population health screening. Participant phenotype was not available at the time of variant classification. Additional details can be found in publication PMID: 35346344, PMCID: PMC8962531

NM_000138.5(FBN1):c.3620G>C (p.Gly1207Ala)

Gene: FBN1 (fibrillin 1; minus strand). Cytogenetic location: 15q21.1.
Variant type: single nucleotide variant.
Coding change: c.3620G>C on transcript NM_000138.5 (MANE Select); coding-DNA position 3620, G replaced by C.
Protein change: p.Gly1207Ala; replaces glycine 1207 with alanine.
Molecular consequence: missense variant.
Genome position (GRCh38, 1-based): chr15:48,485,466, C>G on the plus strand (G>C on the coding strand, the complement: FBN1 is on the minus strand). VCF-style: chr15-48485466-C-G. GRCh37 (hg19) VCF-style: chr15-48777663-C-G.
Other names: c.3620G>C, p.Gly1207Ala (NM_001406716.1); short protein forms G1207A.
Identifiers: ClinVar variation 3386813 (VCV003386813.1).
Genomic context (GRCh38, chr15:48,485,466, plus strand): 5'-AATCCCGGCTGACAGCTACATTCATAGCTGCCTTCAGAGTTTGTGCAGAAGGTTTCACAA[C>G]CACCATTCATTATGCTGCATTCATCAATGTCTAAAAGAAATGAAAATAATATCACCTTCT-3'
Protein context (NP_000129.3, residues 1197-1217): DIDECSIMNG[Gly1207Ala]CETFCTNSEG